The following is an entry in ClinVar:

NM_002303.6(LEPR):c.2923G>T (p.Glu975Ter)

Gene: LEPR (leptin receptor; plus strand). Cytogenetic location: 1p31.3.
Variant type: single nucleotide variant.
Coding change: c.2923G>T on transcript NM_002303.6 (MANE Select); coding-DNA position 2923, G replaced by T.
Protein change: p.Glu975Ter; replaces glutamic acid 975 with a stop codon.
Molecular consequence: nonsense.
Genome position (GRCh38, 1-based): chr1:65,636,440, G>T. VCF-style: chr1-65636440-G-T. GRCh37 (hg19) VCF-style: chr1-66102123-G-T.
Other names: short protein forms E975*.
Identifiers: ClinVar variation 4997332 (VCV004997332.1).

ClinVar aggregate classification (germline): Uncertain significance (1 of 4 stars; one submission).

Conditions:
LEPR-related disorder. Also called: LEPR-related disorders; LEPR-related condition.

gnomAD v4.1: 3 of 1,613,974 alleles (0.00019%); highest among the groups gnomAD compares: Non-Finnish European, 0.00025%; no homozygotes.

Submission:

PreventionGenetics, part of Exact Sciences
Classification: Uncertain significance for LEPR-related condition. Last evaluated: 2024-10-21. Review status: criteria provided, single submitter. Criteria: ACMG Guidelines, 2015. Collection method: clinical testing. Allele origin: germline.
Comment: The LEPR c.2923G>T variant is predicted to result in premature protein termination (p.Glu975*). To our knowledge, this variant has not been reported in the literature. This variant is reported in 0.0065% of alleles in individuals of European (Non-Finnish) descent in gnomAD. Nonsense variants in LEPR are expected to be pathogenic, however this variant is within the last exon and may not be subject to nonsense mediated decay. Although we suspect that this variant may be pathogenic, at this time, the clinical significance of this variant is uncertain due to the absence of conclusive functional and genetic evidence.